The following is an entry in ClinVar:

NM_015450.3(POT1):c.1792+1G>T

Gene: POT1 (protection of telomeres 1; minus strand). Cytogenetic location: 7q31.33.
Variant type: single nucleotide variant.
Coding change: c.1792+1G>T on transcript NM_015450.3 (MANE Select); the canonical splice donor site of the intron after coding-DNA position 1792, G replaced by T.
Molecular consequence: splice donor variant.
Genome position (GRCh38, 1-based): chr7:124,825,251, C>A on the plus strand (G>T on the coding strand, the complement: POT1 is on the minus strand). VCF-style: chr7-124825251-C-A. GRCh37 (hg19) VCF-style: chr7-124465305-C-A.
Other names: c.1399+1G>T (NM_001042594.2).
Identifiers: ClinVar variation 567619 (VCV000567619.8), dbSNP rs1562972354, ClinGen allele CA369062047.

ClinVar aggregate classification (germline): Conflicting classifications of pathogenicity. Review status: criteria provided, conflicting classifications (1 of 4 stars). 2 submissions from 2 submitters: Likely pathogenic (1); Uncertain significance (1). Last evaluated 2025-01-23.

Conditions:
Hereditary cancer-predisposing syndrome. Also called: Tumor predisposition; Neoplastic Syndromes, Hereditary; Hereditary neoplastic syndrome; Hereditary Cancer Syndrome. Identifiers: Orphanet 140162, MedGen C0027672, MeSH D009386, MONDO:0015356.
Tumor predisposition syndrome 3 (TPDS3). Also called: Melanoma, cutaneous malignant, susceptibility to, 10; LONG TELOMERE SYNDROME, POT1-RELATED; POT1 Tumor Predisposition; Glioma susceptibility 9. Identifiers: Orphanet 618, MedGen C4014476, MONDO:0014368, OMIM 615848.

Submissions (2):

Labcorp Genetics (formerly Invitae), Labcorp
Classification: Likely pathogenic for Tumor predisposition syndrome 3. Last evaluated: 2025-01-23. Review status: criteria provided, single submitter. Criteria: Invitae Variant Classification Sherloc (09022015). Collection method: clinical testing. Allele origin: germline.
Comment: This sequence change affects a donor splice site in intron 18 of the POT1 gene. It is expected to disrupt RNA splicing. Variants that disrupt the donor or acceptor splice site typically lead to a loss of protein function (PMID: 16199547), and loss-of-function variants in POT1 are known to be pathogenic (PMID: 32155570). This variant is not present in population databases (gnomAD no frequency). This variant has not been reported in the literature in individuals affected with POT1-related conditions. ClinVar contains an entry for this variant (Variation ID: 567619). Algorithms developed to predict the effect of sequence changes on RNA splicing suggest that this variant may disrupt the consensus splice site. In summary, the currently available evidence indicates that the variant is pathogenic, but additional data are needed to prove that conclusively. Therefore, this variant has been classified as Likely Pathogenic.

Ambry Genetics
Classification: Uncertain significance for Hereditary cancer-predisposing syndrome. Last evaluated: 2024-10-11. Review status: criteria provided, single submitter. Criteria: Ambry Variant Classification Scheme 2023. Collection method: clinical testing. Allele origin: germline.
Comment: The c.1792+1G>T intronic variant results from a G to T substitution one nucleotide after coding exon 14 of the POT1 gene. This alteration occurs at the 3' terminus of the POT1 gene, is not expected to trigger nonsense-mediated mRNA decay, and only impacts the last 5.8% of the protein. The exact functional effect of this alteration is unknown. This nucleotide position is highly conserved in available vertebrate species. In silico splice site analysis predicts that this alteration will weaken the native splice donor site and will result in the creation or strengthening of a novel splice donor site. Based on the available evidence, the clinical significance of this variant remains unclear.

Literature cited by the submitters: PubMed 16199547 (cited by Labcorp Genetics (formerly Invitae), Labcorp); PubMed 32155570 (cited by Labcorp Genetics (formerly Invitae), Labcorp).